The following is an entry in ClinVar:

ClinVar aggregate classification (germline): Uncertain significance (1 of 4 stars; one submission).

Conditions:
Hypogonadotropic hypogonadism 2 with or without anosmia (HH2). Also called: FGFR1-Related GnRH Deficiency (Kallmann Syndrome 2); HYPOGONADOTROPIC HYPOGONADISM 2 WITH OR WITHOUT ANOSMIA, SUSCEPTIBILITY TO; HYPOGONADOTROPIC HYPOGONADISM 2 WITHOUT ANOSMIA, SUSCEPTIBILITY TO; HYPOGONADOTROPIC HYPOGONADISM 2 WITHOUT ANOSMIA. Identifiers: Orphanet 478, MedGen C1563720, MONDO:0007844, OMIM 147950. Disease mechanism: loss of function.
Pfeiffer syndrome (ACS5). Also called: ACS V. Identifiers: Orphanet 710, MedGen C0220658, MONDO:0007043, OMIM 101600.

Submission:

Labcorp Genetics (formerly Invitae), Labcorp
Classification: Uncertain significance for Pfeiffer syndrome; Hypogonadotropic hypogonadism 2 with or without anosmia. Last evaluated: 2025-01-19. Review status: criteria provided, single submitter. Criteria: Invitae Variant Classification Sherloc (09022015). Collection method: clinical testing. Allele origin: germline.
Comment: This sequence change replaces serine, which is neutral and polar, with proline, which is neutral and non-polar, at codon 526 of the FGFR1 protein (p.Ser526Pro). This variant is not present in population databases (gnomAD no frequency). This variant has not been reported in the literature in individuals affected with FGFR1-related conditions. Invitae Evidence Modeling of protein sequence and biophysical properties (such as structural, functional, and spatial information, amino acid conservation, physicochemical variation, residue mobility, and thermodynamic stability) indicates that this missense variant is not expected to disrupt FGFR1 protein function with a negative predictive value of 80%. In summary, the available evidence is currently insufficient to determine the role of this variant in disease. Therefore, it has been classified as a Variant of Uncertain Significance.

NM_023110.3(FGFR1):c.1576T>C (p.Ser526Pro)

Gene: FGFR1 (fibroblast growth factor receptor 1; minus strand). Cytogenetic location: 8p11.23.
Variant type: single nucleotide variant.
Coding change: c.1576T>C on transcript NM_023110.3 (MANE Select); coding-DNA position 1576, T replaced by C.
Protein change: p.Ser526Pro; replaces serine 526 with proline.
Molecular consequence: missense variant.
Genome position (GRCh38, 1-based): chr8:38,417,393, A>G on the plus strand (T>C on the coding strand, the complement: FGFR1 is on the minus strand). VCF-style: chr8-38417393-A-G. GRCh37 (hg19) VCF-style: chr8-38274911-A-G.
Other names: c.1570T>C, p.Ser524Pro (NM_001174063.2, NM_001174065.2, NM_001354367.2 and 1 more transcripts); c.1546T>C, p.Ser516Pro (NM_001174064.2); c.1309T>C, p.Ser437Pro (NM_001174066.2, NM_023105.3); c.1669T>C, p.Ser557Pro (NM_001174067.2); c.1297T>C, p.Ser433Pro (NM_001354368.2); c.1564T>C, p.Ser522Pro (NM_001354369.2, NM_001410922.1); c.1303T>C, p.Ser435Pro (NM_001354370.2, NM_023106.3); short protein forms S433P, S435P, S437P, S516P, S522P, S524P, S526P, S557P.
Identifiers: ClinVar variation 3750595 (VCV003750595.2).